The following is an entry in ClinVar:

NM_007294.4(BRCA1):c.4621G>A (p.Glu1541Lys)

Gene: BRCA1 (BRCA1 DNA repair associated; minus strand). Cytogenetic location: 17q21.31.
Variant type: single nucleotide variant.
Coding change: c.4621G>A on transcript NM_007294.4 (MANE Select); coding-DNA position 4621, G replaced by A.
Protein change: p.Glu1541Lys; replaces glutamic acid 1541 with lysine.
Molecular consequence: missense variant. On other transcripts: intron variant (3).
Genome position (GRCh38, 1-based): chr17:43,074,385, C>T on the plus strand (G>A on the coding strand, the complement: BRCA1 is on the minus strand). VCF-style: chr17-43074385-C-T. GRCh37 (hg19) VCF-style: chr17-41226402-C-T.
Other names: c.4408G>A, p.Glu1470Lys (NM_001407571.1, NM_001407894.1, NM_001407895.1 and 12 more transcripts); c.4687G>A, p.Glu1563Lys (NM_001407581.1, NM_001407582.1); c.4684G>A, p.Glu1562Lys (NM_001407583.1, NM_001407585.1, NM_001407587.1 and 1 more transcripts); c.4681G>A, p.Glu1561Lys (NM_001407590.1, NM_001407591.1); c.4621G>A, p.Glu1541Lys (NM_001407593.1, NM_001407594.1, NM_001407596.1 and 8 more transcripts); c.4618G>A, p.Glu1540Lys (NM_001407610.1, NM_001407611.1, NM_001407612.1 and 17 more transcripts); c.4615G>A, p.Glu1539Lys (NM_001407627.1, NM_001407628.1, NM_001407629.1 and 14 more transcripts); c.4612G>A, p.Glu1538Lys (NM_001407644.1, NM_001407645.1); and 71 more; short protein forms E1244K, E1428K, E1452K, E1469K, E1472K, E1513K, E1521K, E1536K.
Identifiers: ClinVar variation 3690681 (VCV003690681.2).

ClinVar aggregate classification (germline): Uncertain significance (1 of 4 stars; one submission).

Conditions:
Hereditary breast ovarian cancer syndrome. Also called: Hereditary breast and ovarian cancer syndrome (HBOC); BRCA1- and BRCA2-Associated Hereditary Breast and Ovarian Cancer; Breast and ovarian cancer; Hereditary breast and ovarian cancer; Hereditary breast and ovarian cancer syndrome; Hereditary breast and/or ovarian cancer syndrome. Identifiers: Orphanet 145, MedGen C0677776, MeSH D061325, MONDO:0003582. Disease mechanism: loss of function.

Submission:

Labcorp Genetics (formerly Invitae), Labcorp
Classification: Uncertain significance for Hereditary breast ovarian cancer syndrome. Last evaluated: 2024-10-23. Review status: criteria provided, single submitter. Criteria: Invitae Variant Classification Sherloc (09022015). Collection method: clinical testing. Allele origin: germline.
Comment: This sequence change replaces glutamic acid, which is acidic and polar, with lysine, which is basic and polar, at codon 1541 of the BRCA1 protein (p.Glu1541Lys). This variant is not present in population databases (gnomAD no frequency). This variant has not been reported in the literature in individuals affected with BRCA1-related conditions. Invitae Evidence Modeling of protein sequence and biophysical properties (such as structural, functional, and spatial information, amino acid conservation, physicochemical variation, residue mobility, and thermodynamic stability) indicates that this missense variant is not expected to disrupt BRCA1 protein function with a negative predictive value of 95%. In summary, the available evidence is currently insufficient to determine the role of this variant in disease. Therefore, it has been classified as a Variant of Uncertain Significance.